The following is an entry in ClinVar:

ClinVar aggregate classification (germline): Uncertain significance. Review status: criteria provided, multiple submitters, no conflicts (2 of 4 stars). 3 submissions from 3 submitters: Uncertain significance (3). Last evaluated 2025-07-14.

Conditions:
Autosomal recessive ataxia, Beauce type. Also called: ATAXIA, RECESSIVE, OF BEAUCE; Spinocerebellar ataxia, autosomal recessive 8; SYNE1-Related Autosomal Recessive Cerebellar Ataxia; SYNE1 Deficiency. Identifiers: Orphanet 88644, MedGen C1853116, MONDO:0012549, OMIM 610743.
Emery-Dreifuss muscular dystrophy 4, autosomal dominant (EDMD4). Also called: EMERY-DREIFUSS MUSCULAR DYSTROPHY 4 WITH VARIABLE FEATURES. Identifiers: Orphanet 261, MedGen C2751807, MONDO:0013071, OMIM 612998.

Allele frequency attached by ClinVar (database versions not stated): gnomAD exomes 0.00001 and 0.00005; ExAC 0.00007; gnomAD 0.00011; ESP Exome Variant Server 0.00015; TOPMed 0.00021.
gnomAD v4.1: 36 of 1,614,076 alleles (0.0022%); highest among the groups gnomAD compares: African/African-American, 0.044%; no homozygotes.

Submissions (3):

Labcorp Genetics (formerly Invitae), Labcorp
Classification: Uncertain significance for Emery-Dreifuss muscular dystrophy 4, autosomal dominant; Autosomal recessive ataxia, Beauce type. Last evaluated: 2025-07-14. Review status: criteria provided, single submitter. Criteria: Invitae Variant Classification Sherloc (09022015). Collection method: clinical testing. Allele origin: germline.
Comment: This sequence change replaces glutamine, which is neutral and polar, with proline, which is neutral and non-polar, at codon 6124 of the SYNE1 protein (p.Gln6124Pro). This variant is present in population databases (rs370472085, gnomAD 0.06%). This variant has not been reported in the literature in individuals affected with SYNE1-related conditions. ClinVar contains an entry for this variant (Variation ID: 1009583). An algorithm developed to predict the effect of missense changes on protein structure and function outputs the following: PolyPhen-2: "Benign". The proline amino acid residue is found in multiple mammalian species, which suggests that this missense change does not adversely affect protein function. In summary, the available evidence is currently insufficient to determine the role of this variant in disease. Therefore, it has been classified as a Variant of Uncertain Significance.

Mayo Clinic Laboratories, Mayo Clinic
Classification: Uncertain significance. Last evaluated: 2023-01-12. Review status: criteria provided, single submitter. Criteria: ACMG Guidelines, 2015. Collection method: clinical testing. Allele origin: germline. Observed: 1 variant allele.
Comment: BP4

Revvity Omics, Revvity
Classification: Uncertain significance. Last evaluated: 2022-01-07. Review status: criteria provided, single submitter. Criteria: ACMG Guidelines, 2015. Collection method: clinical testing. Allele origin: germline.

NM_182961.4(SYNE1):c.18584A>C (p.Gln6195Pro)

Gene: SYNE1 (spectrin repeat containing nuclear envelope protein 1; minus strand). Cytogenetic location: 6q25.2.
Variant type: single nucleotide variant.
Coding change: c.18584A>C on transcript NM_182961.4 (MANE Select); coding-DNA position 18584, A replaced by C.
Protein change: p.Gln6195Pro; replaces glutamine 6195 with proline.
Molecular consequence: missense variant.
Genome position (GRCh38, 1-based): chr6:152,269,276, T>G on the plus strand (A>C on the coding strand, the complement: SYNE1 is on the minus strand). VCF-style: chr6-152269276-T-G. GRCh37 (hg19) VCF-style: chr6-152590411-T-G.
Other names: p.Gln6124Pro; c.18371A>C (NM_033071.3); c.18371A>C, p.Gln6124Pro (NM_033071.5); short protein forms Q6124P, Q6195P.
Identifiers: ClinVar variation 1009583 (VCV001009583.8), dbSNP rs370472085, ClinGen allele CA4054918.